The following is an entry in ClinVar:

NM_144687.4(NLRP12):c.3039_3040del (p.Gly1014fs)

Gene: NLRP12 (NLR family pyrin domain containing 12; minus strand). Cytogenetic location: 19q13.42.
Variant type: Deletion.
Coding change: c.3039_3040del on transcript NM_144687.4 (MANE Select); coding-DNA positions 3039 to 3040, 2 bases deleted (AG; older notation c.3039_3040delAG).
Protein change: p.Gly1014fs; shifts the reading frame from glycine 1014.
Molecular consequence: frameshift variant.
Genome position (GRCh38, 1-based): chr19:53,795,917-53,795,918, CT deleted on the plus strand (AG on the coding strand, the reverse complement: NLRP12 is on the minus strand). VCF-style (leftmost placement, unchanged base first): chr19-53795916-CCT-C. GRCh37 (hg19) VCF-style: chr19-54299170-CCT-C.
Other names: c.3042_3043del, p.Gly1015fs (NM_001277126.2); c.2868_2869del, p.Gly957fs (NM_001277129.1); short protein forms G1014fs, G1015fs, G957fs.
Identifiers: ClinVar variation 2736924 (VCV002736924.4), dbSNP rs776426826, ClinGen allele CA9638795.

ClinVar aggregate classification (germline): Uncertain significance. Review status: criteria provided, multiple submitters, no conflicts (2 of 4 stars). 2 submissions from 2 submitters: Uncertain significance (2). Last evaluated 2025-08-05.

Conditions:
Familial cold autoinflammatory syndrome 2 (FCAS2). Identifiers: Orphanet 247868, MedGen C2673198, MONDO:0012724, OMIM 611762.

Allele frequency attached by ClinVar (database versions not stated): TOPMed 0.00002; gnomAD 0.00003; gnomAD exomes 0.00003; ExAC 0.00007.

Submissions (2):

Institute of Human Genetics, University of Leipzig Medical Center
Classification: Uncertain significance for Familial cold autoinflammatory syndrome 2. Last evaluated: 2025-08-05. Review status: criteria provided, single submitter. Criteria: ACMG Guidelines, 2015. Collection method: clinical testing. Allele origin: unknown. Inheritance: Autosomal dominant inheritance. Affected: yes.
Comment: Criteria applied: PVS1_MOD,PM2_SUP

Labcorp Genetics (formerly Invitae), Labcorp
Classification: Uncertain significance for Familial cold autoinflammatory syndrome 2. Last evaluated: 2025-05-04. Review status: criteria provided, single submitter. Criteria: Invitae Variant Classification Sherloc (09022015). Collection method: clinical testing. Allele origin: germline.
Comment: This sequence change creates a premature translational stop signal (p.Gly1014Cysfs*27) in the NLRP12 gene. While this is not anticipated to result in nonsense mediated decay, it is expected to disrupt the last 48 amino acid(s) of the NLRP12 protein. This variant is present in population databases (rs776426826, gnomAD 0.01%). This variant has not been reported in the literature in individuals affected with NLRP12-related conditions. ClinVar contains an entry for this variant (Variation ID: 2736924). In summary, the available evidence is currently insufficient to determine the role of this variant in disease. Therefore, it has been classified as a Variant of Uncertain Significance.